The following is an entry in ClinVar:

ClinVar aggregate classification (germline): Uncertain significance (1 of 4 stars; one submission).

Conditions:
Malignant hyperthermia, susceptibility to, 1 (MHS1). Also called: Anesthesia related hyperthermia; Malignant hyperpyrexia; Fulminating hyperpyrexia; Pharmacogenic myopathy; RYR1-Related Malignant Hyperthermia Susceptibility; Malignant hyperthermia suceptibility 1. Identifiers: Orphanet 423, MedGen C2930980, MONDO:0007783, OMIM 145600.

Allele frequency attached by ClinVar (database versions not stated): gnomAD exomes below 0.00001.
gnomAD v4.1: 1 of 1,614,060 alleles (0.000062%); highest among the groups gnomAD compares: Non-Finnish European, 0.000085%; no homozygotes.

Submission:

All of Us Research Program, National Institutes of Health
Classification: Uncertain significance for Malignant hyperthermia, susceptibility to, 1. Last evaluated: 2023-06-08. Review status: criteria provided, single submitter. Criteria: ACMG Guidelines, 2015. Collection method: clinical testing. Allele origin: germline. Inheritance: Autosomal dominant inheritance. Observed: 1 variant allele, 1 heterozygote.
Comment: This missense variant replaces proline with leucine at codon 3241 of the RYR1 protein. Computational prediction is inconclusive regarding the impact of this variant on protein structure and function (internally defined REVEL score threshold 0.5 < inconclusive < 0.7, PMID: 27666373). To our knowledge, functional studies have not been reported for this variant. This variant has not been reported in individuals affected with RYR1-related disorders in the literature. This variant has not been identified in the general population by the Genome Aggregation Database (gnomAD). The available evidence is insufficient to determine the role of this variant in disease conclusively. Therefore, this variant is classified as a Variant of Uncertain Significance.

This study involves interpretation of variants in research participants for the purpose of population health screening. Participant phenotype was not available at the time of variant classification. Additional details can be found in publication PMID: 35346344, PMCID: PMC8962531

NM_000540.3(RYR1):c.9722C>T (p.Pro3241Leu)

Gene: RYR1 (ryanodine receptor 1; plus strand). Cytogenetic location: 19q13.2.
Variant type: single nucleotide variant.
Coding change: c.9722C>T on transcript NM_000540.3 (MANE Select); coding-DNA position 9722, C replaced by T.
Protein change: p.Pro3241Leu; replaces proline 3241 with leucine.
Molecular consequence: missense variant.
Genome position (GRCh38, 1-based): chr19:38,517,395, C>T. VCF-style: chr19-38517395-C-T. GRCh37 (hg19) VCF-style: chr19-39008035-C-T.
Other names: c.9722C>T, p.Pro3241Leu (NM_001042723.2); short protein forms P3241L.
Identifiers: ClinVar variation 3071506 (VCV003071506.1), dbSNP rs2514432484, ClinGen allele CA405691588.
Genomic context (GRCh38, chr19:38,517,395, plus strand): 5'-CCTGCCCCCGTCCCTGTACCCCAGTCCTGGGGCTCCCCAACAGTGTGGAGGAGATGTGTC[C>T]CGACATCCCGGTGCTGGAGCGGCTCATGGCAGACATTGGGGGGCTGGCCGAGTCAGGTGC-3'
Protein context (NP_000531.2, residues 3231-3251): GLPNSVEEMC[Pro3241Leu]DIPVLERLMA